The following is an entry in ClinVar:

ClinVar aggregate classification (germline): Uncertain significance (1 of 4 stars; one submission).

Conditions:
Kabuki syndrome 2 (KABUK2). Also called: KDM6A-Related Kabuki Syndrome. Identifiers: Orphanet 2322, MedGen C3275495, MONDO:0010465, OMIM 300867.

Submission:

Labcorp Genetics (formerly Invitae), Labcorp
Classification: Uncertain significance for Kabuki syndrome 2. Last evaluated: 2023-07-31. Review status: criteria provided, single submitter. Criteria: Invitae Variant Classification Sherloc (09022015). Collection method: clinical testing. Allele origin: germline.
Comment: This variant is not present in population databases (gnomAD no frequency). This variant has not been reported in the literature in individuals affected with KDM6A-related conditions. Advanced modeling of protein sequence and biophysical properties (such as structural, functional, and spatial information, amino acid conservation, physicochemical variation, residue mobility, and thermodynamic stability) has been performed at Invitae for this missense variant, however the output from this modeling did not meet the statistical confidence thresholds required to predict the impact of this variant on KDM6A protein function. In summary, the available evidence is currently insufficient to determine the role of this variant in disease. Therefore, it has been classified as a Variant of Uncertain Significance. This sequence change replaces tyrosine, which is neutral and polar, with cysteine, which is neutral and slightly polar, at codon 183 of the KDM6A protein (p.Tyr183Cys).

NM_001291415.2(KDM6A):c.548A>G (p.Tyr183Cys)

Gene: KDM6A (lysine demethylase 6A; plus strand). Cytogenetic location: Xp11.3.
Variant type: single nucleotide variant.
Coding change: c.548A>G on transcript NM_001291415.2 (MANE Select); coding-DNA position 548, A replaced by G.
Protein change: p.Tyr183Cys; replaces tyrosine 183 with cysteine.
Molecular consequence: missense variant. On other transcripts: non-coding transcript variant (1), intron variant (1).
Genome position (GRCh38, 1-based): chrX:45,020,714, A>G. VCF-style: chrX-45020714-A-G. GRCh37 (hg19) VCF-style: chrX-44879959-A-G.
Other names: c.548A>G, p.Tyr183Cys (NM_001291416.2, NM_001291417.2, NM_001291418.2 and 9 more transcripts); c.-190+9695A>G (NM_001291421.2); short protein forms Y183C.
Identifiers: ClinVar variation 2839789 (VCV002839789.3), dbSNP rs2147668401, ClinGen allele CA413022965.